The following is an entry in ClinVar:

ClinVar aggregate classification (germline): Uncertain significance (1 of 4 stars; one submission).

Submission:

Greenwood Genetic Center Diagnostic Laboratories, Greenwood Genetic Center
Classification: Uncertain significance. Last evaluated: 2023-09-25. Review status: criteria provided, single submitter. Criteria: ACMG Guidelines, 2015. Collection method: clinical testing. Allele origin: germline. Affected: yes.
Comment: Gene of Uncertain Significance

NM_003587.5(DHX16):c.568A>G (p.Lys190Glu)

Gene: DHX16 (DEAH-box helicase 16; minus strand). Cytogenetic location: 6p21.33.
Variant type: single nucleotide variant.
Coding change: c.568A>G on transcript NM_003587.5 (MANE Select); coding-DNA position 568, A replaced by G.
Protein change: p.Lys190Glu; replaces lysine 190 with glutamic acid.
Molecular consequence: missense variant. On other transcripts: 5 prime UTR variant (1).
Genome position (GRCh38, 1-based): chr6:30,670,831, T>C on the plus strand (A>G on the coding strand, the complement: DHX16 is on the minus strand). VCF-style: chr6-30670831-T-C. GRCh37 (hg19) VCF-style: chr6-30638608-T-C.
Other names: c.388A>G, p.Lys130Glu (NM_001164239.2); c.-1552A>G (NM_001363515.2); short protein forms K130E, K190E.
Identifiers: ClinVar variation 2626964 (VCV002626964.1), dbSNP rs2534555489, ClinGen allele CA363115263.